The following is an entry in ClinVar:

ClinVar aggregate classification (germline): Uncertain significance (1 of 4 stars; one submission).

Conditions:
Peroxisome biogenesis disorder, complementation group K (CGK). Identifiers: MedGen C1866257, MONDO:0800365.

Submission:

Labcorp Genetics (formerly Invitae), Labcorp
Classification: Uncertain significance for Peroxisome biogenesis disorder, complementation group K. Last evaluated: 2022-08-16. Review status: criteria provided, single submitter. Criteria: Invitae Variant Classification Sherloc (09022015). Collection method: clinical testing. Allele origin: germline.
Comment: In summary, the available evidence is currently insufficient to determine the role of this variant in disease. Therefore, it has been classified as a Variant of Uncertain Significance. This sequence change replaces valine, which is neutral and non-polar, with methionine, which is neutral and non-polar, at codon 334 of the PEX14 protein (p.Val334Met). This variant is not present in population databases (gnomAD no frequency). This variant has not been reported in the literature in individuals affected with PEX14-related conditions. ClinVar contains an entry for this variant (Variation ID: 1382492). Algorithms developed to predict the effect of missense changes on protein structure and function are either unavailable or do not agree on the potential impact of this missense change (SIFT: "Deleterious"; PolyPhen-2: "Benign"; Align-GVGD: "Class C0").

NM_004565.3(PEX14):c.1000G>A (p.Val334Met)

Gene: PEX14 (peroxisomal biogenesis factor 14; plus strand). Cytogenetic location: 1p36.22.
Variant type: single nucleotide variant.
Coding change: c.1000G>A on transcript NM_004565.3 (MANE Select); coding-DNA position 1000, G replaced by A.
Protein change: p.Val334Met; replaces valine 334 with methionine.
Molecular consequence: missense variant.
Genome position (GRCh38, 1-based): chr1:10,629,853, G>A. VCF-style: chr1-10629853-G-A. GRCh37 (hg19) VCF-style: chr1-10689910-G-A.
Other names: short protein forms V334M.
Identifiers: ClinVar variation 1382492 (VCV001382492.5), dbSNP rs2124650794, ClinGen allele CA338339329.